The following is an entry in ClinVar:

NM_001378778.1(MPDZ):c.310G>A (p.Ala104Thr)

Gene: MPDZ (multiple PDZ domain crumbs cell polarity complex component; minus strand). Cytogenetic location: 9p23.
Variant type: single nucleotide variant.
Coding change: c.310G>A on transcript NM_001378778.1 (MANE Select); coding-DNA position 310, G replaced by A.
Protein change: p.Ala104Thr; replaces alanine 104 with threonine.
Molecular consequence: missense variant.
Genome position (GRCh38, 1-based): chr9:13,224,457, C>T on the plus strand (G>A on the coding strand, the complement: MPDZ is on the minus strand). VCF-style: chr9-13224457-C-T. GRCh37 (hg19) VCF-style: chr9-13224456-C-T.
Other names: c.310G>A, p.Ala104Thr (NM_001261406.2, NM_001261407.2, NM_001330637.2 and 14 more transcripts); c.310G>A (NM_003829.3); short protein forms A104T.
Identifiers: ClinVar variation 1437711 (VCV001437711.6), dbSNP rs369440680, ClinGen allele CA4988163.
Genomic context (GRCh38, chr9:13,224,457, plus strand): 5'-GATCAAATTCATCACAAGCAGGTTTCCCATTAATGTGTGGAATACCAGGTCCTGTAAGTG[C>T]TTCCAGATTCCCATTGTTTGGGGATAATAAAAACGATTCATTTTGCAGAGTAGGAATCAC-3'
Protein context (NP_001365707.1, residues 94-114): LLSPNNGNLE[Ala104Thr]LTGPGIPHIN

ClinVar aggregate classification (germline): Uncertain significance. Review status: criteria provided, multiple submitters, no conflicts (2 of 4 stars). 2 submissions from 2 submitters: Uncertain significance (2). Last evaluated 2025-01-21.

Conditions:
Inborn genetic diseases. Identifiers: MedGen C0950123, MeSH D030342.

Allele frequency attached by ClinVar (database versions not stated): gnomAD exomes 0.00001 and 0.00002; ExAC 0.00002; TOPMed 0.00009; gnomAD 0.00013 and 0.00014; ESP Exome Variant Server 0.00017; 1000 Genomes Project 0.00040; 1000 Genomes Project 30x 0.00047.
gnomAD v4.1: 27 of 1,612,982 alleles (0.0017%); highest among the groups gnomAD compares: African/African-American, 0.036%; no homozygotes.

Submissions (2):

Ambry Genetics
Classification: Uncertain significance for Inborn genetic diseases. Last evaluated: 2025-01-21. Review status: criteria provided, single submitter. Criteria: Ambry Variant Classification Scheme 2023. Collection method: clinical testing. Allele origin: germline.

Labcorp Genetics (formerly Invitae), Labcorp
Classification: Uncertain significance. Last evaluated: 2022-07-06. Review status: criteria provided, single submitter. Criteria: Invitae Variant Classification Sherloc (09022015). Collection method: clinical testing. Allele origin: germline.
Comment: This sequence change replaces alanine, which is neutral and non-polar, with threonine, which is neutral and polar, at codon 104 of the MPDZ protein (p.Ala104Thr). This variant is present in population databases (rs369440680, gnomAD 0.03%). This variant has not been reported in the literature in individuals affected with MPDZ-related conditions. ClinVar contains an entry for this variant (Variation ID: 1437711). Algorithms developed to predict the effect of missense changes on protein structure and function output the following: SIFT: "Tolerated"; PolyPhen-2: "Benign"; Align-GVGD: "Class C0". The threonine amino acid residue is found in multiple mammalian species, which suggests that this missense change does not adversely affect protein function. In summary, the available evidence is currently insufficient to determine the role of this variant in disease. Therefore, it has been classified as a Variant of Uncertain Significance.